The following is an entry in ClinVar:

ClinVar aggregate classification (germline): Uncertain significance (1 of 4 stars; one submission).

Submission:

GeneDx
Classification: Uncertain significance. Last evaluated: 2024-02-16. Review status: criteria provided, single submitter. Criteria: GeneDx Variant Classification Process June 2021. Collection method: clinical testing. Allele origin: germline. Affected: yes.
Comment: Not observed at significant frequency in large population cohorts (gnomAD); In silico analysis supports that this missense variant has a deleterious effect on protein structure/function; Has not been previously published as pathogenic or benign to our knowledge

NM_006565.4(CTCF):c.1473T>G (p.Asn491Lys)

Gene: CTCF (CCCTC-binding factor; plus strand). Cytogenetic location: 16q22.1.
Variant type: single nucleotide variant.
Coding change: c.1473T>G on transcript NM_006565.4 (MANE Select); coding-DNA position 1473, T replaced by G.
Protein change: p.Asn491Lys; replaces asparagine 491 with lysine.
Molecular consequence: missense variant.
Genome position (GRCh38, 1-based): chr16:67,626,670, T>G. VCF-style: chr16-67626670-T-G. GRCh37 (hg19) VCF-style: chr16-67660573-T-G.
Other names: c.489T>G, p.Asn163Lys (NM_001191022.2); c.1473T>G, p.Asn491Lys (NM_001363916.2); short protein forms N163K, N491K.
Identifiers: ClinVar variation 3369383 (VCV003369383.1).